The following is an entry in ClinVar:

NM_001963.6(EGF):c.3171C>T (p.Tyr1057=)

Gene: EGF (epidermal growth factor; plus strand). Cytogenetic location: 4q25.
Variant type: single nucleotide variant.
Coding change: c.3171C>T on transcript NM_001963.6 (MANE Select); coding-DNA position 3171, C replaced by T.
Protein change: p.Tyr1057=; no amino-acid change (tyrosine 1057 retained).
Molecular consequence: synonymous variant.
Genome position (GRCh38, 1-based): chr4:109,999,844, C>T. VCF-style: chr4-109999844-C-T. GRCh37 (hg19) VCF-style: chr4-110921000-C-T.
Other names: c.3048C>T, p.Tyr1016= (NM_001178130.3); c.3045C>T, p.Tyr1015= (NM_001178131.3); c.2802C>T, p.Tyr934= (NM_001357021.2).
Identifiers: ClinVar variation 3015360 (VCV003015360.3), dbSNP rs756991473, ClinGen allele CA3044188.

ClinVar aggregate classification (germline): Uncertain significance (1 of 4 stars; one submission).

Allele frequency attached by ClinVar (database versions not stated): gnomAD exomes 0.00001; TOPMed 0.00001; ExAC 0.00002.
gnomAD v4.1: 7 of 1,613,282 alleles (0.00043%); highest among the groups gnomAD compares: Admixed American, 0.012%; no homozygotes.

Submission:

Labcorp Genetics (formerly Invitae), Labcorp
Classification: Uncertain significance. Last evaluated: 2023-11-27. Review status: criteria provided, single submitter. Criteria: Invitae Variant Classification Sherloc (09022015). Collection method: clinical testing. Allele origin: germline.
Comment: This sequence change affects codon 1057 of the EGF mRNA. It is a 'silent' change, meaning that it does not change the encoded amino acid sequence of the EGF protein. This variant is present in population databases (rs756991473, gnomAD 0.01%). This variant has not been reported in the literature in individuals affected with EGF-related conditions. Algorithms developed to predict the effect of sequence changes on RNA splicing suggest that this variant may disrupt the consensus splice site. In summary, the available evidence is currently insufficient to determine the role of this variant in disease. Therefore, it has been classified as a Variant of Uncertain Significance.